The following is an entry in ClinVar:

NM_001042603.3(KDM5A):c.2151-4G>T

Gene: KDM5A (lysine demethylase 5A; minus strand). Cytogenetic location: 12p13.33.
Variant type: single nucleotide variant.
Coding change: c.2151-4G>T on transcript NM_001042603.3 (MANE Select); 4 bases into the intron before coding-DNA position 2151, G replaced by T.
Molecular consequence: intron variant.
Genome position (GRCh38, 1-based): chr12:323,210, C>A on the plus strand (G>T on the coding strand, the complement: KDM5A is on the minus strand). VCF-style: chr12-323210-C-A. GRCh37 (hg19) VCF-style: chr12-432376-C-A.
Other names: NC_000012.11:g.432376C>A.
Identifiers: ClinVar variation 3039426 (VCV003039426.5), dbSNP rs372406233, ClinGen allele CA231397874.
Genomic context (GRCh38, chr12:323,210, plus strand): 5'-GCCCTGACTTTTACACCATATAGCAGAGAAGGGAGGTCTTCTAATGGGTAGCGATATCTA[C>A]AAAAAAAAAAAAAAAAAAAAAAAAAAAAAGAAAACAGAAATAAAAACCTCAAAAACCAAC-3'

ClinVar aggregate classification (germline): Likely benign. Review status: criteria provided, multiple submitters, no conflicts (2 of 4 stars). 3 submissions from 3 submitters: Likely benign (2). 1 of the submissions does not count toward it. Last evaluated 2022-12-16.

Conditions:
KDM5A-related disorder. Also called: KDM5A-related condition.

Submissions (10):

Blueprint Genetics
Classification: Likely benign. Last evaluated: 2022-12-16. Review status: criteria provided, single submitter. Criteria: ACMG Guidelines, 2015. Collection method: clinical testing. Allele origin: germline.

Breakthrough Genomics
Classification: Likely benign. Review status: criteria provided, single submitter. Criteria: ACMG Guidelines, 2015. Collection method: not provided. Allele origin: germline. Inheritance: Unknown mechanism. Affected: yes.

PreventionGenetics, part of Exact Sciences
Classification: Likely benign for KDM5A-related condition. Last evaluated: 2019-05-21. Review status: no assertion criteria provided. Collection method: clinical testing. Allele origin: germline. Not counted in ClinVar's aggregate classification.
Comment: This variant is classified as likely benign based on ACMG/AMP sequence variant interpretation guidelines (Richards et al. 2015 PMID: 25741868, with internal and published modifications).

Dr. Peter K. Rogan Lab, Western University
No classification provided (evidence only). Condition: Lung cancer. Review status: no classification provided. Collection method: in vitro. Allele origin: not applicable. Functional consequence: retained intron. Not counted in ClinVar's aggregate classification.

Dr. Peter K. Rogan Lab, Western University
No classification provided (evidence only). Condition: Thymoma. Review status: no classification provided. Collection method: in vitro. Allele origin: not applicable. Functional consequence: retained intron. Not counted in ClinVar's aggregate classification.

Dr. Peter K. Rogan Lab, Western University
No classification provided (evidence only). Condition: Thymoma. Review status: no classification provided. Collection method: in vitro. Allele origin: not applicable. Functional consequence: retained intron. Not counted in ClinVar's aggregate classification.

Dr. Peter K. Rogan Lab, Western University
No classification provided (evidence only). Condition: Thymoma. Review status: no classification provided. Collection method: in vitro. Allele origin: not applicable. Functional consequence: retained intron. Not counted in ClinVar's aggregate classification.

Dr. Peter K. Rogan Lab, Western University
No classification provided (evidence only). Condition: Thymoma. Review status: no classification provided. Collection method: in vitro. Allele origin: not applicable. Functional consequence: retained intron. Not counted in ClinVar's aggregate classification.

Dr. Peter K. Rogan Lab, Western University
No classification provided (evidence only). Condition: Thymoma. Review status: no classification provided. Collection method: in vitro. Allele origin: not applicable. Functional consequence: retained intron. Not counted in ClinVar's aggregate classification.

Dr. Peter K. Rogan Lab, Western University
No classification provided (evidence only). Condition: Gastric cancer. Review status: no classification provided. Collection method: in vitro. Allele origin: not applicable. Functional consequence: retained intron. Not counted in ClinVar's aggregate classification.